The following is an entry in ClinVar:

NM_007126.5(VCP):c.345T>C (p.His115=)

Gene: VCP (valosin containing protein; minus strand). Cytogenetic location: 9p13.3.
Variant type: single nucleotide variant.
Coding change: c.345T>C on transcript NM_007126.5 (MANE Select); coding-DNA position 345, T replaced by C.
Protein change: p.His115=; no amino-acid change (histidine 115 retained).
Molecular consequence: synonymous variant.
Genome position (GRCh38, 1-based): chr9:35,066,775, A>G on the plus strand (T>C on the coding strand, the complement: VCP is on the minus strand). VCF-style: chr9-35066775-A-G. GRCh37 (hg19) VCF-style: chr9-35066772-A-G.
Other names: p.His115=; c.210T>C, p.His70= (NM_001354927.2, NM_001354928.2).
Identifiers: ClinVar variation 741897 (VCV000741897.11), dbSNP rs775348132, ClinGen allele CA5039495.

ClinVar aggregate classification (germline): Likely benign. Review status: criteria provided, multiple submitters, no conflicts (2 of 4 stars). 2 submissions from 2 submitters: Likely benign (2). Last evaluated 2025-08-13.

Conditions:
Frontotemporal dementia and/or amyotrophic lateral sclerosis 6 (FTDALS6). Also called: VCP-Related Amyotrophic Lateral Sclerosis/Frontotemporal Dementia; VCP-Related Amyotrophic Lateral Sclerosis. Identifiers: Orphanet 275872, Orphanet 803, MedGen C5436279, MONDO:0013501, OMIM 613954.
Inclusion body myopathy with Paget disease of bone and frontotemporal dementia. Also called: Inclusion body myopathy with early-onset Paget disease and frontotemporal dementia. Identifiers: Orphanet 52430, MedGen C1833662, MONDO:0000507.

Allele frequency attached by ClinVar (database versions not stated): gnomAD exomes 0.00001 and 0.00005; gnomAD 0.00002; TOPMed 0.00003; ExAC 0.00007.
gnomAD v4.1: 20 of 1,614,090 alleles (0.0012%); highest among the groups gnomAD compares: East Asian, 0.027%; no homozygotes.

Submissions (2):

Mayo Clinic Laboratories, Mayo Clinic
Classification: Likely benign. Last evaluated: 2025-08-13. Review status: criteria provided, single submitter. Criteria: ACMG Guidelines, 2015. Collection method: clinical testing. Allele origin: germline. Observed: 1 variant allele.
Comment: BP4, BP7

Labcorp Genetics (formerly Invitae), Labcorp
Classification: Likely benign for Inclusion body myopathy with Paget disease of bone and frontotemporal dementia; Frontotemporal dementia and/or amyotrophic lateral sclerosis 6. Last evaluated: 2022-08-16. Review status: criteria provided, single submitter. Criteria: Invitae Variant Classification Sherloc (09022015). Collection method: clinical testing. Allele origin: germline.